The following is an entry in ClinVar:

NM_000821.7(GGCX):c.763G>A (p.Val255Met)

Gene: GGCX (gamma-glutamyl carboxylase; minus strand). Cytogenetic location: 2p11.2.
Variant type: single nucleotide variant.
Coding change: c.763G>A on transcript NM_000821.7 (MANE Select); coding-DNA position 763, G replaced by A.
Protein change: p.Val255Met; replaces valine 255 with methionine.
Molecular consequence: missense variant.
Genome position (GRCh38, 1-based): chr2:85,554,269, C>T on the plus strand (G>A on the coding strand, the complement: GGCX is on the minus strand). VCF-style: chr2-85554269-C-T. GRCh37 (hg19) VCF-style: chr2-85781392-C-T.
Other names: c.592G>A, p.Val198Met (NM_001142269.4); c.763G>A (NM_000821.5, NM_000821.6); short protein forms V255M, V198M.
Identifiers: ClinVar variation 16206 (VCV000016206.12), dbSNP rs121909683, ClinGen allele CA214957.
Genomic context (GRCh38, chr2:85,554,269, plus strand): 5'-AGACATCAAAAAAGAGCAGGAAACCAGCTGAGAGGTCAAGCAGCAGCCCACCCCAGTGCA[C>T]GACCAGCAGGCTAGTCAGCTCCTCAGACAACAGCAGTCTGCAAACACATGGAGAAAGTTC-3'
Protein context (NP_000812.2, residues 245-265): LSEELTSLLV[Val255Met]HWGGLLLDLS

ClinVar aggregate classification (germline): Pathogenic/Likely pathogenic. Review status: criteria provided, multiple submitters, no conflicts (2 of 4 stars). 4 submissions from 4 submitters: Pathogenic (1); Likely pathogenic (2). 1 of the submissions does not count toward it. Last evaluated 2026-01-22.

Conditions:
GGCX-related disorder. Also called: GGCX - Related Disorders; GGCX-related condition.
Body skin hyperlaxity due to vitamin K-dependent coagulation factor deficiency (PXECD). Also called: PXE-like disorder; PXE-LIKE DISORDER WITH MULTIPLE COAGULATION FACTOR DEFICIENCY; PSEUDOXANTHOMA ELASTICUM-LIKE DISORDER WITH MULTIPLE COAGULATION FACTOR DEFICIENCY. Identifiers: Orphanet 91135, MedGen C1835813, MONDO:0012570, OMIM 610842.
Vitamin K-dependent clotting factors, combined deficiency of, type 1. Also called: GLUTAMIC ACID, DEFICIENT GAMMA-CARBOXYLATION OF; MULTIPLE COAGULATION FACTOR DEFICIENCY III; FACTORS II, VII, IX, AND X, COMBINED DEFICIENCY OF; FAMILIAL MULTIPLE COAGULATION FACTOR DEFICIENCY III; FMFD III; VITAMIN K-DEPENDENT COAGULATION DEFECT. Identifiers: Orphanet 98434, MedGen C1848534, MONDO:0010187, OMIM 277450.

Allele frequency attached by ClinVar (database versions not stated): TOPMed 0.00004; gnomAD exomes 0.00014 and 0.00005; ExAC 0.00002; gnomAD 0.00007 and 0.00006.
gnomAD v4.1: 212 of 1,613,752 alleles (0.013%); highest among the groups gnomAD compares: Non-Finnish European, 0.017%; no homozygotes.

Submissions (4):

Labcorp Genetics (formerly Invitae), Labcorp
Classification: Pathogenic. Last evaluated: 2026-01-22. Review status: criteria provided, single submitter. Criteria: Invitae Variant Classification Sherloc (09022015). Collection method: clinical testing. Allele origin: germline.
Comment: This sequence change replaces valine, which is neutral and non-polar, with methionine, which is neutral and non-polar, at codon 255 of the GGCX protein (p.Val255Met). This variant is present in population databases (rs121909683, gnomAD 0.009%). This missense change has been observed in individuals with GGCX-related conditions (PMID: 18800149, 28125048, 33000479, 34906475). It has also been observed to segregate with disease in related individuals. ClinVar contains an entry for this variant (Variation ID: 16206). Invitae Evidence Modeling of protein sequence and biophysical properties (such as structural, functional, and spatial information, amino acid conservation, physicochemical variation, residue mobility, and thermodynamic stability) indicates that this missense variant is expected to disrupt GGCX protein function with a positive predictive value of 80%. Experimental studies are conflicting or provide insufficient evidence to determine the effect of this variant on GGCX function (PMID: 18800149, 33507293, 34816548). For these reasons, this variant has been classified as Pathogenic.

GeneDx
Classification: Likely pathogenic. Last evaluated: 2025-10-12. Review status: criteria provided, single submitter. Criteria: GeneDx Variant Classification Process June 2021. Collection method: clinical testing. Allele origin: germline. Affected: yes.
Comment: Observed with an additional GGCX variant on the opposite allele (in trans) in siblings with features suggestive of pseudoxanthoma elasticum(PXE)-like disorder with multiple coagulation factor deficiency; other affected individuals in this family had the p.(V255M) variant as well as a pathogenic variant in the ABCC6 gene which is known to cause PXE, suggesting possible digenic inheritance (PMID: 18800149); Identified in patients with pulmonary arterial hypertension in published literature, but additional clinical information and familial segregation information were not provided (PMID: 31727138); In silico analysis supports that this missense variant has a deleterious effect on protein structure/function; This variant is associated with the following publications: (PMID: 22516721, 35628569, 21453708, 33507293, 35767717, 28125048, 34816548, 34906475, 33000479, 18800149, 31727138, 39399214, 37647632)

Rady Children's Institute for Genomic Medicine, Rady Children's Hospital San Diego
Classification: Likely pathogenic for GGCX - Related Disorders. Last evaluated: 2024-04-25. Review status: criteria provided, single submitter. Criteria: ACMG Guidelines, 2015. Collection method: clinical testing. Allele origin: germline. Affected: yes.
Comment: The c.763G>A (p.Val255Met) variant affects a highly conserved amino acid and is predicted by multiple in silico tools to have a deleterious effect on protein function. This variant has been previously reported as a heterozygous change in individuals with pulmonary arterial hypertension (PMID: 31727138) and as a compound heterozygous change in individuals with pseudoxanthoma elasticum-like disorder with or without combined deficiency of vitamin K-dependent clotting factors-1 (PMID: 34816548, 18800149, 33000479). Functional studies were conflicting, one study suggested that the c.763G>A (p.Val255Met) variant led to reduced carboxylation, while another study demonstrated higher levels of carboxylation (PMID: 33507293, 35767717, 34816548). The c.763G>A (p.Val255Met) variant is present in the heterozygous state in the gnomAD v4 population database at a frequency of 0.01% (212/1613752), and absent in the homozygous state, thus is presumed to be rare. Based on the available evidence, c.763G>A (p.Val255Met) is classified as Likely Pathogenic.

OMIM
Classification: Pathogenic for PXE-LIKE DISORDER WITH MULTIPLE COAGULATION FACTOR DEFICIENCY. Last evaluated: 2009-03-01. Review status: no assertion criteria provided. Collection method: literature only. Allele origin: germline. Not counted in ClinVar's aggregate classification.

Literature cited by the submitters: PubMed 18800149 (cited by Labcorp Genetics (formerly Invitae), Labcorp and OMIM); PubMed 28125048 (cited by Labcorp Genetics (formerly Invitae), Labcorp); PubMed 33000479 (cited by Labcorp Genetics (formerly Invitae), Labcorp); PubMed 34906475 (cited by Labcorp Genetics (formerly Invitae), Labcorp); PubMed 33507293 (cited by Labcorp Genetics (formerly Invitae), Labcorp); PubMed 34816548 (cited by Labcorp Genetics (formerly Invitae), Labcorp).